The following is an entry in ClinVar:

NM_003859.3(DPM1):c.1A>G (p.Met1Val)

Genes: DPM1 (dolichyl-phosphate mannosyltransferase subunit 1, catalytic; minus strand), LOC130066166 (ATAC-STARR-seq lymphoblastoid active region 18108; plus strand). Cytogenetic location: 20q13.13.
Variant type: single nucleotide variant.
Coding change: c.1A>G on transcript NM_003859.3 (MANE Select); coding-DNA position 1, A replaced by G.
Protein change: p.Met1Val; changes the start codon (methionine 1).
Molecular consequence: missense variant, initiator codon variant. On other transcripts: non-coding transcript variant (1).
Genome position (GRCh38, 1-based): chr20:50,958,523, T>C on the plus strand (A>G on the coding strand, the complement: DPM1 is on the minus strand). VCF-style: chr20-50958523-T-C. GRCh37 (hg19) VCF-style: chr20-49575060-T-C.
Other names: c.1A>G, p.Met1Val (NM_001317034.1, NM_001317035.1, NM_001317036.1); short protein forms M1V.
Identifiers: ClinVar variation 936654 (VCV000936654.17), dbSNP rs139624629, ClinGen allele CA9909286.

ClinVar aggregate classification (germline): Conflicting classifications of pathogenicity. Review status: criteria provided, conflicting classifications (1 of 4 stars). 5 submissions from 5 submitters: Pathogenic (3); Likely pathogenic (1); Uncertain significance (1). Last evaluated 2025-08-12.

Conditions:
Congenital disorder of glycosylation type 1E (CDG1E). Also called: CDG Ie; CONGENITAL DISORDER OF GLYCOSYLATION, TYPE Ie. Identifiers: Orphanet 79322, MedGen C1837396, MONDO:0012123, OMIM 608799.

Submissions (5):

Variantyx, Inc.
Classification: Pathogenic for Congenital disorder of glycosylation type 1E. Last evaluated: 2025-08-12. Review status: criteria provided, single submitter. Criteria: Variantyx Assertion Criteria 2022. Collection method: clinical testing. Allele origin: germline. Inheritance: Autosomal recessive inheritance. Affected: no.
Comment: This is a start-loss variant in the DPM1 gene (OMIM: 603503). Pathogenic variants in this gene have been associated with autosomal recessive Congenital disorder of glycosylation, type Ie. This variant results in loss of the initiation codon and is expected to result in loss of function, which is a known disease mechanism for DPM1 in this disorder (PMID: 34015165) (PVS1). It has been identified in the homozygous or compound heterozygous state in at least one individual reported in the published literature (PMID: 34015165) (PM3) and it has a 0.0045% maximum allele frequency in non-founder control populations (PM2). Based on the current evidence, this variant is classified as pathogenic for autosomal recessive Congenital disorder of glycosylation, type Ie.

Labcorp Genetics (formerly Invitae), Labcorp
Classification: Pathogenic for Congenital disorder of glycosylation type 1E. Last evaluated: 2024-11-22. Review status: criteria provided, single submitter. Criteria: Invitae Variant Classification Sherloc (09022015). Collection method: clinical testing. Allele origin: germline.
Comment: This sequence change affects the initiator methionine of the DPM1 mRNA. The next in-frame methionine is located at codon 106. This variant is present in population databases (rs139624629, gnomAD 0.006%). Disruption of the initiator codon has been observed in individual(s) with clinical features of muscular dystrophy-dystroglycanopathy (PMID: 28139241, 34015165). ClinVar contains an entry for this variant (Variation ID: 936654). This variant disrupts a region of the DPM1 protein in which other variant(s) (p.Arg92Gly) have been determined to be pathogenic (PMID: 10642597, 10642602, 27481510). This suggests that this is a clinically significant region of the protein, and that variants that disrupt it are likely to be disease-causing. For these reasons, this variant has been classified as Pathogenic.

Women's Health and Genetics/Laboratory Corporation of America, LabCorp
Classification: Uncertain significance. Last evaluated: 2023-05-24. Review status: criteria provided, single submitter. Criteria: LabCorp Variant Classification Summary - May 2015. Collection method: clinical testing. Allele origin: germline.
Comment: Variant summary: DPM1 c.1A>G (p.Met1Val) alters the initiation codon and is predicted to result either in absence of the protein or truncation of the encoded protein due to translation initiation at a downstream codon. The next in-frame methionine occurs at codon 106 in exon 4. Two of four in-silico tools predict a benign effect of the variant on protein function. The variant allele was found at a frequency of 1.6e-05 in 251074 control chromosomes (gnomAD). The available data on variant occurrences in the general population are insufficient to allow any conclusion about variant significance. c.1A>G has been reported in the literature in at least one compound heterozygous individual affected with Congenital Disorder Of Glycosylation Type 1E (Zhai_2021). These data do not allow any conclusion about variant significance. To our knowledge, no experimental evidence demonstrating an impact on protein function has been reported. The following publication has been ascertained in the context of this evaluation (PMID: 34015165). Two ClinVar submitters have assessed the variant since 2014: one classified the variant as likely pathogenic, and one as pathogenic. Based on the evidence outlined above, the variant was classified as uncertain significance.

Genetics and Prenatal Diagnosis Center, The First Affiliated Hospital of Zhengzhou University
Classification: Pathogenic for Congenital disorder of glycosylation type 1E. Last evaluated: 2021-05-13. Review status: criteria provided, single submitter. Criteria: ACMG Guidelines, 2015. Collection method: clinical testing. Allele origin: germline. Affected: yes.

Juno Genomics, Hangzhou Juno Genomics, Inc
Classification: Likely pathogenic for Congenital disorder of glycosylation type 1E. Review status: criteria provided, single submitter. Criteria: ACMG Guidelines, 2015. Collection method: clinical testing. Allele origin: germline.
Comment: Absent from controls (or at extremely low frequency if recessive) in Genome Aggregation Database.;For recessive disorders, detected in trans with a pathogenic variant.;Patient's phenotype or family history is highly specific for a disease with a single genetic etiology.;Null variant in a gene where loss of function (LOF) is a known mechanism of disease.

Literature cited by the submitters: PubMed 34015165 (cited by 3 submitters); PubMed 28139241 (cited by Labcorp Genetics (formerly Invitae), Labcorp); PubMed 10642597 (cited by Labcorp Genetics (formerly Invitae), Labcorp); PubMed 10642602 (cited by Labcorp Genetics (formerly Invitae), Labcorp); PubMed 27481510 (cited by Labcorp Genetics (formerly Invitae), Labcorp).